The following is an entry in ClinVar:

NM_001148.6(ANK2):c.1937C>T (p.Ser646Phe)

Gene: ANK2 (ankyrin 2; plus strand). Cytogenetic location: 4q26.
Variant type: single nucleotide variant.
Coding change: c.1937C>T on transcript NM_001148.6 (MANE Select); coding-DNA position 1937, C replaced by T.
Protein change: p.Ser646Phe; replaces serine 646 with phenylalanine.
Molecular consequence: missense variant.
Genome position (GRCh38, 1-based): chr4:113,282,730, C>T. VCF-style: chr4-113282730-C-T. GRCh37 (hg19) VCF-style: chr4-114203886-C-T.
Other names: p.S646F:TCC>TTC; c.1874C>T, p.Ser625Phe (NM_001127493.3, NM_001354239.2, NM_001354243.2 and 10 more transcripts); c.1937C>T, p.Ser646Phe (NM_001354225.2, NM_001354228.2, NM_001354232.2 and 6 more transcripts); c.1982C>T, p.Ser661Phe (NM_001354230.2, NM_001354231.2, NM_001354237.2 and 5 more transcripts); c.1838C>T, p.Ser613Phe (NM_001354245.2, NM_001354268.2); c.1850C>T, p.Ser617Phe (NM_001354249.2, NM_001354264.2, NM_001354266.2 and 10 more transcripts); c.1775C>T, p.Ser592Phe (NM_001354253.2, NM_001354257.2, NM_001354270.2 and 1 more transcripts); c.1751C>T, p.Ser584Phe (NM_001354260.2, NM_001354271.2, NM_001386151.1); and 9 more; short protein forms S625F, S646F, S617F, S584F, S632F, S551F, S576F, S580F.
Identifiers: ClinVar variation 190552 (VCV000190552.8), dbSNP rs786205724, ClinGen allele CA300820.

ClinVar aggregate classification (germline): Conflicting classifications of pathogenicity. Review status: criteria provided, conflicting classifications (1 of 4 stars). 3 submissions from 3 submitters: Pathogenic (1); Uncertain significance (2). Last evaluated 2025-10-30.

Conditions:
ANK2-related disorder. Also called: ANK2-related condition.

Submissions (3):

GeneDx
Classification: Pathogenic. Last evaluated: 2025-10-30. Review status: criteria provided, single submitter. Criteria: GeneDx Variant Classification Process June 2021. Collection method: clinical testing. Allele origin: germline. Affected: yes.
Comment: Not observed at significant frequency in large population cohorts (gnomAD); Published functional studies demonstrate variant results in reduced ankyrin-B expression in rat cardiomyoblasts and abnormal localization in mice cardiomyocytes, and adversely affects targeting of downstream binding partners, thus supporting a loss-of-function effect (PMID: 28196901); In silico analysis supports that this missense variant has a deleterious effect on protein structure/function; This variant is associated with the following publications: (PMID: 28765088, 29163198, 31477143, 29661707, 30415094, 28196901, 39867173, 38884101)

Blueprint Genetics
Classification: Uncertain significance. Last evaluated: 2024-07-18. Review status: criteria provided, single submitter. Criteria: ACMG Guidelines, 2015. Collection method: clinical testing. Allele origin: germline.

PreventionGenetics, part of Exact Sciences
Classification: Uncertain significance for ANK2-related condition. Last evaluated: 2023-06-27. Review status: criteria provided, single submitter. Criteria: ACMG Guidelines, 2015. Collection method: clinical testing. Allele origin: germline.
Comment: The ANK2 c.1937C>T variant is predicted to result in the amino acid substitution p.Ser646Phe. This variant has been reported in two families of Gitxsan ancestry with Ankyrin-B syndrome (ABS), long QT syndrome, and structural heart disease, with functional in vitro studies demonstrating this variant disrupted normal localization to the plasma membrane in mouse myocytes (Swayne et al. 2017. PubMed ID: 28196901). Another study showed no significant functional effect of this variant on Cav2.1 levels in HEK293T cells (Choi et al. 2019. PubMed ID: 31477143). The designation of ANK2 as a self-sufficient long QT syndrome susceptibility gene has been questioned due to the high frequency of putative ABS-causative variants in public exomes and the nature of the ABS cardiac phenotype (Giudicessi et al. 2018. PubMed ID: 29661707). This variant has not been reported in a large population database, indicating this variant is rare. Although we suspect that this variant may be pathogenic, at this time, the clinical significance of this variant is uncertain due to the absence of conclusive functional and genetic evidence.